The following is an entry in ClinVar:

NM_001278512.2(AP3B2):c.2747A>G (p.Asn916Ser)

Genes: AP3B2 (adaptor related protein complex 3 subunit beta 2; minus strand), CPEB1-AS1 (CPEB1 antisense RNA 1; plus strand). Cytogenetic location: 15q25.2.
Variant type: single nucleotide variant.
Coding change: c.2747A>G on transcript NM_001278512.2 (MANE Select); coding-DNA position 2747, A replaced by G.
Protein change: p.Asn916Ser; replaces asparagine 916 with serine.
Molecular consequence: missense variant.
Genome position (GRCh38, 1-based): chr15:82,662,780, T>C on the plus strand (A>G on the coding strand, the complement: AP3B2 is on the minus strand). VCF-style: chr15-82662780-T-C. GRCh37 (hg19) VCF-style: chr15-83331532-T-C.
Other names: c.2594A>G, p.Asn865Ser (NM_001278511.2); c.2690A>G, p.Asn897Ser (NM_004644.5); short protein forms N865S, N916S, N897S.
Identifiers: ClinVar variation 1393319 (VCV001393319.6), dbSNP rs775341382, ClinGen allele CA7699804.
Genomic context (GRCh38, chr15:82,662,780, plus strand): 5'-ATGCCAGCAGGCAGTTTGGGAGTGCCCACATGCAGGCCCTTGATGGGGGTATCAGAGCTG[T>C]TGGAGAAGTGGATGTGCACGGACACCATGTGGGGATCCCCGGAGAAAGGTTGGCGGCTGA-3'
Protein context (NP_001265441.1, residues 906-926): HMVSVHIHFS[Asn916Ser]SSDTPIKGLH

ClinVar aggregate classification (germline): Uncertain significance. Review status: criteria provided, multiple submitters, no conflicts (2 of 4 stars). 2 submissions from 2 submitters: Uncertain significance (2). Last evaluated 2025-01-19.

Allele frequency attached by ClinVar (database versions not stated): gnomAD exomes below 0.00001 and 0.00001; ExAC 0.00001; gnomAD 0.00001; TOPMed 0.00001.
gnomAD v4.1: 15 of 1,613,648 alleles (0.00093%); highest among the groups gnomAD compares: African/African-American, 0.0013%; no homozygotes.

Submissions (2):

GeneDx
Classification: Uncertain significance. Last evaluated: 2025-01-19. Review status: criteria provided, single submitter. Criteria: GeneDx Variant Classification Process June 2021. Collection method: clinical testing. Allele origin: germline. Affected: yes.
Comment: Not observed at significant frequency in large population cohorts (gnomAD); In silico analysis supports that this missense variant has a deleterious effect on protein structure/function; Has not been previously published as pathogenic or benign to our knowledge

Labcorp Genetics (formerly Invitae), Labcorp
Classification: Uncertain significance. Last evaluated: 2022-07-12. Review status: criteria provided, single submitter. Criteria: Invitae Variant Classification Sherloc (09022015). Collection method: clinical testing. Allele origin: germline.
Comment: This sequence change replaces asparagine, which is neutral and polar, with serine, which is neutral and polar, at codon 897 of the AP3B2 protein (p.Asn897Ser). This variant is present in population databases (rs775341382, gnomAD 0.007%). This variant has not been reported in the literature in individuals affected with AP3B2-related conditions. ClinVar contains an entry for this variant (Variation ID: 1393319). Algorithms developed to predict the effect of missense changes on protein structure and function (SIFT, PolyPhen-2, Align-GVGD) all suggest that this variant is likely to be tolerated. Algorithms developed to predict the effect of sequence changes on RNA splicing suggest that this variant may create or strengthen a splice site. In summary, the available evidence is currently insufficient to determine the role of this variant in disease. Therefore, it has been classified as a Variant of Uncertain Significance.